The following is an entry in ClinVar:

NM_001369.3(DNAH5):c.5485-1G>T

Gene: DNAH5 (dynein axonemal heavy chain 5; minus strand). Cytogenetic location: 5p15.2.
Variant type: single nucleotide variant.
Coding change: c.5485-1G>T on transcript NM_001369.3 (MANE Select); the canonical splice acceptor site of the intron before coding-DNA position 5485, G replaced by T.
Molecular consequence: splice acceptor variant.
Genome position (GRCh38, 1-based): chr5:13,841,131, C>A on the plus strand (G>T on the coding strand, the complement: DNAH5 is on the minus strand). VCF-style: chr5-13841131-C-A. GRCh37 (hg19) VCF-style: chr5-13841240-C-A.
Identifiers: ClinVar variation 2753473 (VCV002753473.3), dbSNP rs1765101106, ClinGen allele CA359210482.
Genomic context (GRCh38, chr5:13,841,131, plus strand): 5'-ATTTCTAAGGGCTTCTTCTGAATCCCGTGTCCATATCATCTGAATTCCTAATAATCCAAC[C>A]TTATGGAAATAAAAAAGGCTTCATGAATTTGTATGGCATATTTATGTATTTAAATAGAAA-3'

ClinVar aggregate classification (germline): Likely pathogenic (1 of 4 stars; one submission).

Conditions:
Primary ciliary dyskinesia. Also called: Ciliary dyskinesia. Identifiers: Orphanet 244, MedGen C0008780, MONDO:0016575, HP:0012265.

Submission:

Labcorp Genetics (formerly Invitae), Labcorp
Classification: Likely pathogenic for Primary ciliary dyskinesia. Last evaluated: 2023-05-31. Review status: criteria provided, single submitter. Criteria: Invitae Variant Classification Sherloc (09022015). Collection method: clinical testing. Allele origin: germline.
Comment: In summary, the currently available evidence indicates that the variant is pathogenic, but additional data are needed to prove that conclusively. Therefore, this variant has been classified as Likely Pathogenic. Algorithms developed to predict the effect of sequence changes on RNA splicing suggest that this variant may disrupt the consensus splice site. This variant has not been reported in the literature in individuals affected with DNAH5-related conditions. This variant is not present in population databases (gnomAD no frequency). This sequence change affects an acceptor splice site in intron 33 of the DNAH5 gene. It is expected to disrupt RNA splicing. Variants that disrupt the donor or acceptor splice site typically lead to a loss of protein function (PMID: 16199547), and loss-of-function variants in DNAH5 are known to be pathogenic (PMID: 11788826, 16627867).

Literature cited by the submitters: PubMed 16199547; PubMed 11788826; PubMed 16627867.